The following is an entry in ClinVar:

NC_000002.11:g.(?_73676196)_(73677479_?)del

Gene: ALMS1 (ALMS1 centrosome and basal body associated protein; plus strand). Cytogenetic location: 2p13.1.
Variant type: Deletion.
Identifiers: ClinVar variation 2426078 (VCV002426078.4).

ClinVar aggregate classification (germline): Uncertain significance (1 of 4 stars; one submission).

Conditions:
Alstrom syndrome (ALMS). Identifiers: Orphanet 64, MedGen C0268425, MONDO:0008763, OMIM 203800.

Submission:

Labcorp Genetics (formerly Invitae), Labcorp
Classification: Uncertain significance for Alstrom syndrome. Last evaluated: 2021-11-30. Review status: criteria provided, single submitter. Criteria: Invitae Variant Classification Sherloc (09022015). Collection method: clinical testing. Allele origin: germline.
Comment: In summary, the available evidence is currently insufficient to determine the role of this variant in disease. Therefore, it has been classified as a Variant of Uncertain Significance. Experimental studies and prediction algorithms are not available or were not evaluated, and the functional significance of this variant is currently unknown. This variant has not been reported in the literature in individuals affected with ALMS1-related conditions. This variant is a gross deletion of the genomic region encompassing exon 8 of the ALMS1gene. This variant would be expected to be in-frame, preserving the integrity of the reading frame.